The following is an entry in ClinVar:

ClinVar aggregate classification (germline): Uncertain significance (1 of 4 stars; one submission).

Conditions:
Developmental and epileptic encephalopathy. Identifiers: MedGen C5779964, MONDO:0100620.

Allele frequency attached by ClinVar (database versions not stated): ExAC 0.00001; TOPMed 0.00001; gnomAD 0.00003.
gnomAD v4.1: 13 of 1,613,986 alleles (0.00081%); highest among the groups gnomAD compares: African/African-American, 0.0027%; no homozygotes.

Submission:

Labcorp Genetics (formerly Invitae), Labcorp
Classification: Uncertain significance for Early-infantile DEE. Last evaluated: 2022-05-29. Review status: criteria provided, single submitter. Criteria: Invitae Variant Classification Sherloc (09022015). Collection method: clinical testing. Allele origin: germline.
Comment: This sequence change replaces glycine, which is neutral and non-polar, with serine, which is neutral and polar, at codon 230 of the ST3GAL3 protein (p.Gly230Ser). This variant is present in population databases (rs775202249, gnomAD 0.0009%). This variant has not been reported in the literature in individuals affected with ST3GAL3-related conditions. Algorithms developed to predict the effect of missense changes on protein structure and function are either unavailable or do not agree on the potential impact of this missense change (SIFT: "Deleterious"; PolyPhen-2: "Possibly Damaging"; Align-GVGD: "Class C0"). Algorithms developed to predict the effect of sequence changes on RNA splicing suggest that this variant may create or strengthen a splice site. In summary, the available evidence is currently insufficient to determine the role of this variant in disease. Therefore, it has been classified as a Variant of Uncertain Significance.

NM_006279.5(ST3GAL3):c.688G>A (p.Gly230Ser)

Gene: ST3GAL3 (ST3 beta-galactoside alpha-2,3-sialyltransferase 3; plus strand). Cytogenetic location: 1p34.1.
Variant type: single nucleotide variant.
Coding change: c.688G>A on transcript NM_006279.5 (MANE Select); coding-DNA position 688, G replaced by A.
Protein change: p.Gly230Ser; replaces glycine 230 with serine.
Molecular consequence: missense variant. On other transcripts: non-coding transcript variant (5), intron variant (7).
Genome position (GRCh38, 1-based): chr1:43,899,671, G>A. VCF-style: chr1-43899671-G-A. GRCh37 (hg19) VCF-style: chr1-44365343-G-A.
Other names: c.688G>A, p.Gly230Ser (NM_001270459.2, NM_001350620.2, NM_174966.4); c.595G>A, p.Gly199Ser (NM_001270460.2); c.640G>A, p.Gly214Ser (NM_001270461.3, NM_001410781.1, NM_174969.4); c.547G>A, p.Gly183Ser (NM_001270462.3); c.733G>A, p.Gly245Ser (NM_001350619.2, NM_174964.4); c.409G>A, p.Gly137Ser (NM_001350621.2); c.850G>A, p.Gly284Ser (NM_001363573.2, NM_174968.5); c.895G>A, p.Gly299Ser (NM_174963.5); and 8 more; short protein forms G199S, G214S, G299S, G245S, G268S, G137S, G183S, G230S.
Identifiers: ClinVar variation 2196095 (VCV002196095.1), dbSNP rs775202249, ClinGen allele CA814779.